The following is an entry in ClinVar:

ClinVar aggregate classification (germline): Uncertain significance (1 of 4 stars; one submission).

Allele frequency attached by ClinVar (database versions not stated): gnomAD 0.00001; TOPMed 0.00001.
gnomAD v4.1: 1 of 1,614,000 alleles (0.000062%); highest among the groups gnomAD compares: African/African-American, 0.0013%; no homozygotes.

Submission:

Labcorp Genetics (formerly Invitae), Labcorp
Classification: Uncertain significance. Last evaluated: 2025-03-31. Review status: criteria provided, single submitter. Criteria: Invitae Variant Classification Sherloc (09022015). Collection method: clinical testing. Allele origin: germline.
Comment: This sequence change replaces leucine, which is neutral and non-polar, with valine, which is neutral and non-polar, at codon 1246 of the USH2A protein (p.Leu1246Val). This variant is not present in population databases (gnomAD no frequency). This variant has not been reported in the literature in individuals affected with USH2A-related conditions. ClinVar contains an entry for this variant (Variation ID: 2193050). Invitae Evidence Modeling of protein sequence and biophysical properties (such as structural, functional, and spatial information, amino acid conservation, physicochemical variation, residue mobility, and thermodynamic stability) indicates that this missense variant is not expected to disrupt USH2A protein function with a negative predictive value of 95%. In summary, the available evidence is currently insufficient to determine the role of this variant in disease. Therefore, it has been classified as a Variant of Uncertain Significance.

NM_206933.4(USH2A):c.3736C>G (p.Leu1246Val)

Genes: USH2A (usherin; minus strand), USH2A-AS1 (USH2A antisense RNA 1; plus strand). Cytogenetic location: 1q41.
Variant type: single nucleotide variant.
Coding change: c.3736C>G on transcript NM_206933.4 (MANE Select); coding-DNA position 3736, C replaced by G.
Protein change: p.Leu1246Val; replaces leucine 1246 with valine.
Molecular consequence: missense variant.
Genome position (GRCh38, 1-based): chr1:216,199,702, G>C on the plus strand (C>G on the coding strand, the complement: USH2A is on the minus strand). VCF-style: chr1-216199702-G-C. GRCh37 (hg19) VCF-style: chr1-216373044-G-C.
Other names: c.3736C>G, p.Leu1246Val (NM_007123.6); short protein forms L1246V.
Identifiers: ClinVar variation 2193050 (VCV002193050.4), dbSNP rs1335198504, ClinGen allele CA344867798.
Genomic context (GRCh38, chr1:216,199,702, plus strand): 5'-GTGGAGACCATTCTACATGAAGTTCTGTAGAACTGATTTTCTGCATCTTAGGTGGACTTA[G>C]TCTTTGGGGAGGGGCCTGGGCTGTGGTCACTGTAATGGGCAAGCTGTGTAAACAGCCCCC-3'
Protein context (NP_996816.3, residues 1236-1256): VTTAQAPPQR[Leu1246Val]SPPKMQKISS